The following is an entry in ClinVar:

NM_002599.5(PDE2A):c.603G>C (p.Glu201Asp)

Gene: PDE2A (phosphodiesterase 2A; minus strand). Cytogenetic location: 11q13.4.
Variant type: single nucleotide variant.
Coding change: c.603G>C on transcript NM_002599.5 (MANE Select); coding-DNA position 603, G replaced by C.
Protein change: p.Glu201Asp; replaces glutamic acid 201 with aspartic acid.
Molecular consequence: missense variant.
Genome position (GRCh38, 1-based): chr11:72,590,527, C>G on the plus strand (G>C on the coding strand, the complement: PDE2A is on the minus strand). VCF-style: chr11-72590527-C-G. GRCh37 (hg19) VCF-style: chr11-72301571-C-G.
Other names: c.582G>C, p.Glu194Asp (NM_001143839.4); c.576G>C, p.Glu192Asp (NM_001146209.3); c.540G>C, p.Glu180Asp (NM_001243784.2); short protein forms E194D, E180D, E192D, E201D.
Identifiers: ClinVar variation 2816112 (VCV002816112.3), dbSNP rs2496345367, ClinGen allele CA381766320.
Genomic context (GRCh38, chr11:72,590,527, plus strand): 5'-CGCCCCGCCCTTCTGGTCTTCCGCCGTCCCCTCCGGGGGGTTCTGGACGGCTCGGGGAGC[C>G]TCCCTGGGCCCGCGCTGCTGCAGGACCTGCACCCTCCGCAGGGCGACCAGGGTCTGGGGC-3'
Protein context (NP_002590.1, residues 191-211): VQVLQQRGPR[Glu201Asp]APRAVQNPPE

ClinVar aggregate classification (germline): Uncertain significance (1 of 4 stars; one submission).

gnomAD v4.1: 2 of 1,454,228 alleles (0.00014%); highest among the groups gnomAD compares: Non-Finnish European, 0.00009%; no homozygotes.

Submission:

Labcorp Genetics (formerly Invitae), Labcorp
Classification: Uncertain significance. Last evaluated: 2022-12-04. Review status: criteria provided, single submitter. Criteria: Invitae Variant Classification Sherloc (09022015). Collection method: clinical testing. Allele origin: germline.
Comment: This variant is not present in population databases (gnomAD no frequency). In summary, the available evidence is currently insufficient to determine the role of this variant in disease. Therefore, it has been classified as a Variant of Uncertain Significance. Algorithms developed to predict the effect of missense changes on protein structure and function (SIFT, PolyPhen-2, Align-GVGD) all suggest that this variant is likely to be tolerated. This variant has not been reported in the literature in individuals affected with PDE2A-related conditions. This sequence change replaces glutamic acid, which is acidic and polar, with aspartic acid, which is acidic and polar, at codon 201 of the PDE2A protein (p.Glu201Asp).